The following is an entry in ClinVar:

ClinVar aggregate classification (germline): Likely pathogenic (1 of 4 stars; one submission).

Conditions:
Alveolar capillary dysplasia with pulmonary venous misalignment. Also called: ALVEOLAR CAPILLARY DYSPLASIA WITH MISALIGNMENT OF PULMONARY VEINS AND OTHER CONGENITAL ANOMALIES; Alveolar capillary dysplasia with misalignment of pulmonary veins; Congenital alveolar capillary dysplasia. Identifiers: Orphanet 210122, MedGen C2960310, MONDO:0009934, OMIM 265380.

Submission:

3billion
Classification: Likely pathogenic for Alveolar capillary dysplasia with pulmonary venous misalignment. Last evaluated: 2023-11-27. Review status: criteria provided, single submitter. Criteria: ACMG Guidelines, 2015. Collection method: clinical testing. Allele origin: germline. Affected: yes.
Comment: The variant is not observed in the gnomAD v2.1.1 dataset. Predicted Consequence/Location: Missense variant In silico tool predictions suggest damaging effect of the variant on gene or gene product [REVEL: 0.91 (>=0.6, sensitivity 0.68 and specificity 0.92); 3Cnet: 0.92 (>=0.6, sensitivity 0.72 and precision 0.9)]. Different nucleotide change resulting in same amino acid change (ClinVar ID: VCV000916531 /PMID: 23505205) and different missense changes at the same codon (p.Phe85Ile, p.Phe85Ser / PMID: 23505205) have been previously reported to be associated with FOXF1 related disorder.The variant has been observed in at least two similarly affected unrelated individuals (PMID: 23505205, 30380203).The variant has been previously reported as assumed (i.e. paternity and maternity not confirmed) de novo in at least one similarly affected unrelated individual (PMID: 30380203). Therefore, this variant is classified as Likely pathogenic according to the recommendation of ACMG/AMP guideline.

Literature cited by the submitters: PubMed 30380203; PubMed 23505205.

NM_001451.3(FOXF1):c.255C>G (p.Phe85Leu)

Gene: FOXF1 (forkhead box F1; plus strand). Cytogenetic location: 16q24.1.
Variant type: single nucleotide variant.
Coding change: c.255C>G on transcript NM_001451.3 (MANE Select); coding-DNA position 255, C replaced by G.
Protein change: p.Phe85Leu; replaces phenylalanine 85 with leucine.
Molecular consequence: missense variant.
Genome position (GRCh38, 1-based): chr16:86,510,824, C>G. VCF-style: chr16-86510824-C-G. GRCh37 (hg19) VCF-style: chr16-86544430-C-G.
Other names: short protein forms F85L.
Identifiers: ClinVar variation 3775178 (VCV003775178.1).
Genomic context (GRCh38, chr16:86,510,824, plus strand): 5'-CACCAAGCGCCTGACGCTGAGCGAGATCTACCAGTTCCTGCAGAGCCGCTTCCCCTTCTT[C>G]CGGGGCTCCTACCAGGGCTGGAAGAACTCCGTGCGCCACAACCTCTCGCTCAACGAGTGC-3'
Protein context (NP_001442.2, residues 75-95): YQFLQSRFPF[Phe85Leu]RGSYQGWKNS